The following is an entry in ClinVar:

ClinVar aggregate classification (germline): Uncertain significance. Review status: criteria provided, multiple submitters, no conflicts (2 of 4 stars). 2 submissions from 2 submitters: Uncertain significance (2). Last evaluated 2024-01-01.

Conditions:
Charcot-Marie-Tooth disease type 2. Also called: Charcot-Marie-Tooth type 2. Identifiers: Orphanet 64746, MedGen C0270914, MONDO:0018993.

Allele frequency attached by ClinVar (database versions not stated): TOPMed 0.00002.
gnomAD v4.1: 42 of 1,614,016 alleles (0.0026%); highest among the groups gnomAD compares: Non-Finnish European, 0.0035%; no homozygotes.

Submissions (3):

Labcorp Genetics (formerly Invitae), Labcorp
Classification: Uncertain significance for Charcot-Marie-Tooth disease type 2. Last evaluated: 2024-01-01. Review status: criteria provided, single submitter. Criteria: Invitae Variant Classification Sherloc (09022015). Collection method: clinical testing. Allele origin: germline.
Comment: This sequence change replaces phenylalanine, which is neutral and non-polar, with leucine, which is neutral and non-polar, at codon 515 of the AARS protein (p.Phe515Leu). This variant is present in population databases (rs200578293, gnomAD 0.005%). This variant has not been reported in the literature in individuals affected with AARS-related conditions. ClinVar contains an entry for this variant (Variation ID: 571456). Advanced modeling of protein sequence and biophysical properties (such as structural, functional, and spatial information, amino acid conservation, physicochemical variation, residue mobility, and thermodynamic stability) performed at Invitae indicates that this missense variant is not expected to disrupt AARS protein function with a negative predictive value of 95%. In summary, the available evidence is currently insufficient to determine the role of this variant in disease. Therefore, it has been classified as a Variant of Uncertain Significance.

CeGaT Center for Human Genetics Tuebingen
Classification: Uncertain significance. Last evaluated: 2021-09-01. Review status: criteria provided, single submitter. Criteria: CeGaT Center For Human Genetics Tuebingen Variant Classification Criteria Version 2. Collection method: clinical testing. Allele origin: germline. Affected: yes. Observed: 1 variant allele.

Dr. Peter K. Rogan Lab, Western University
No classification provided (evidence only). Condition: Malignant tumor of urinary bladder. Review status: no classification provided. Collection method: in vitro. Allele origin: not applicable. Functional consequence: skipped exon, retained intron. Not counted in ClinVar's aggregate classification.

NM_001605.3(AARS1):c.1545C>A (p.Phe515Leu)

Gene: AARS1 (alanyl-tRNA synthetase 1; minus strand). Cytogenetic location: 16q22.1.
Variant type: single nucleotide variant.
Coding change: c.1545C>A on transcript NM_001605.3 (MANE Select); coding-DNA position 1545, C replaced by A.
Protein change: p.Phe515Leu; replaces phenylalanine 515 with leucine.
Molecular consequence: missense variant.
Genome position (GRCh38, 1-based): chr16:70,262,472, G>T on the plus strand (C>A on the coding strand, the complement: AARS1 is on the minus strand). VCF-style: chr16-70262472-G-T. GRCh37 (hg19) VCF-style: chr16-70296375-G-T.
Other names: short protein forms F515L.
Identifiers: ClinVar variation 571456 (VCV000571456.43), dbSNP rs200578293, ClinGen allele CA8140761.